The following is an entry in ClinVar:

NM_013275.6(ANKRD11):c.3689A>G (p.Gln1230Arg)

Gene: ANKRD11 (ankyrin repeat domain containing 11; minus strand). Cytogenetic location: 16q24.3.
Variant type: single nucleotide variant.
Coding change: c.3689A>G on transcript NM_013275.6 (MANE Select); coding-DNA position 3689, A replaced by G.
Protein change: p.Gln1230Arg; replaces glutamine 1230 with arginine.
Molecular consequence: missense variant.
Genome position (GRCh38, 1-based): chr16:89,282,853, T>C on the plus strand (A>G on the coding strand, the complement: ANKRD11 is on the minus strand). VCF-style: chr16-89282853-T-C. GRCh37 (hg19) VCF-style: chr16-89349261-T-C.
Other names: c.3689A>G, p.Gln1230Arg (NM_001256182.2, NM_001256183.2); short protein forms Q1230R.
Identifiers: ClinVar variation 3339876 (VCV003339876.1).

ClinVar aggregate classification (germline): Uncertain significance (1 of 4 stars; one submission).

Submission:

Women's Health and Genetics/Laboratory Corporation of America, LabCorp
Classification: Uncertain significance. Last evaluated: 2024-06-21. Review status: criteria provided, single submitter. Criteria: LabCorp Variant Classification Summary - May 2015. Collection method: clinical testing. Allele origin: germline.
Comment: Variant summary: ANKRD11 c.3689A>G (p.Gln1230Arg) results in a conservative amino acid change in the encoded protein sequence. Four of five in-silico tools predict a benign effect of the variant on protein function. The variant was absent in 250264 control chromosomes. The available data on variant occurrences in the general population are insufficient to allow any conclusion about variant significance. To our knowledge, no occurrence of c.3689A>G in individuals affected with KBG Syndrome and no experimental evidence demonstrating its impact on protein function have been reported. No submitters have cited clinical-significance assessments for this variant to ClinVar. Based on the evidence outlined above, the variant was classified as uncertain significance.